The following is an entry in ClinVar:

NM_002334.4(LRP4):c.2758G>A (p.Ala920Thr)

Gene: LRP4 (LDL receptor related protein 4; minus strand). Cytogenetic location: 11p11.2.
Variant type: single nucleotide variant.
Coding change: c.2758G>A on transcript NM_002334.4 (MANE Select); coding-DNA position 2758, G replaced by A.
Protein change: p.Ala920Thr; replaces alanine 920 with threonine.
Molecular consequence: missense variant.
Genome position (GRCh38, 1-based): chr11:46,881,758, C>T on the plus strand (G>A on the coding strand, the complement: LRP4 is on the minus strand). VCF-style: chr11-46881758-C-T. GRCh37 (hg19) VCF-style: chr11-46903309-C-T.
Other names: short protein forms A920T.
Identifiers: ClinVar variation 1413120 (VCV001413120.8), dbSNP rs1486508644, ClinGen allele CA380278673.

ClinVar aggregate classification (germline): Uncertain significance (1 of 4 stars; one submission).

Conditions:
Sclerosteosis 2 (SOST2). Identifiers: Orphanet 3152, MedGen C3280402, MONDO:0013679, OMIM 614305.
Cenani-Lenz syndactyly syndrome. Also called: CENANI SYNDACTYLISM; SYNDACTYLY, TYPE VII. Identifiers: Orphanet 3258, MedGen C1859309, MONDO:0008931, OMIM 212780.
Congenital myasthenic syndrome 17. Identifiers: Orphanet 590, MedGen C4225377, MONDO:0014578, OMIM 616304.

Allele frequency attached by ClinVar (database versions not stated): gnomAD exomes below 0.00001; TOPMed below 0.00001.
gnomAD v4.1: 1 of 1,614,178 alleles (0.000062%); highest among the groups gnomAD compares: Admixed American, 0.0017%; no homozygotes.

Submission:

Labcorp Genetics (formerly Invitae), Labcorp
Classification: Uncertain significance for Cenani-Lenz syndactyly syndrome; Sclerosteosis 2; Congenital myasthenic syndrome 17. Last evaluated: 2021-05-26. Review status: criteria provided, single submitter. Criteria: Invitae Variant Classification Sherloc (09022015). Collection method: clinical testing. Allele origin: germline.
Comment: In summary, the available evidence is currently insufficient to determine the role of this variant in disease. Therefore, it has been classified as a Variant of Uncertain Significance. Algorithms developed to predict the effect of missense changes on protein structure and function (SIFT, PolyPhen-2, Align-GVGD) all suggest that this variant is likely to be disruptive, but these predictions have not been confirmed by published functional studies and their clinical significance is uncertain. This variant has not been reported in the literature in individuals with LRP4-related conditions. This variant is not present in population databases (ExAC no frequency). This sequence change replaces alanine with threonine at codon 920 of the LRP4 protein (p.Ala920Thr). The alanine residue is highly conserved and there is a small physicochemical difference between alanine and threonine.